The following is an entry in ClinVar:

NM_003107.3(SOX4):c.676G>A (p.Gly226Ser)

Gene: SOX4 (SRY-box transcription factor 4; plus strand). Cytogenetic location: 6p22.3.
Variant type: single nucleotide variant.
Coding change: c.676G>A on transcript NM_003107.3 (MANE Select); coding-DNA position 676, G replaced by A.
Protein change: p.Gly226Ser; replaces glycine 226 with serine.
Molecular consequence: missense variant.
Genome position (GRCh38, 1-based): chr6:21,595,210, G>A. VCF-style: chr6-21595210-G-A. GRCh37 (hg19) VCF-style: chr6-21595441-G-A.
Other names: c.676G>A (NM_003107.2); short protein forms G226S.
Identifiers: ClinVar variation 1397661 (VCV001397661.7), dbSNP rs1162675790, ClinGen allele CA363271103.

ClinVar aggregate classification (germline): Uncertain significance. Review status: criteria provided, multiple submitters, no conflicts (2 of 4 stars). 2 submissions from 2 submitters: Uncertain significance (2). Last evaluated 2025-06-03.

Conditions:
Inborn genetic diseases. Identifiers: MedGen C0950123, MeSH D030342.

Allele frequency attached by ClinVar (database versions not stated): gnomAD exomes below 0.00001; gnomAD 0.00001.

Submissions (2):

Ambry Genetics
Classification: Uncertain significance for Inborn genetic diseases. Last evaluated: 2025-06-03. Review status: criteria provided, single submitter. Criteria: Ambry Variant Classification Scheme 2023. Collection method: clinical testing. Allele origin: germline.

Labcorp Genetics (formerly Invitae), Labcorp
Classification: Uncertain significance. Last evaluated: 2021-09-19. Review status: criteria provided, single submitter. Criteria: Invitae Variant Classification Sherloc (09022015). Collection method: clinical testing. Allele origin: germline.
Comment: This sequence change replaces glycine with serine at codon 226 of the SOX4 protein (p.Gly226Ser). The glycine residue is weakly conserved and there is a small physicochemical difference between glycine and serine. The frequency data for this variant in the population databases is considered unreliable, as metrics indicate insufficient coverage at this position in the ExAC database. This variant has not been reported in the literature in individuals affected with SOX4-related conditions. Algorithms developed to predict the effect of missense changes on protein structure and function are either unavailable or do not agree on the potential impact of this missense change (SIFT: "Deleterious"; PolyPhen-2: "Not Available"; Align-GVGD: "Class C0"). In summary, the available evidence is currently insufficient to determine the role of this variant in disease. Therefore, it has been classified as a Variant of Uncertain Significance.